The following is an entry in ClinVar:

ClinVar aggregate classification (germline): Benign (1 of 4 stars; one submission).

Conditions:
Tuberous sclerosis 2 (TSC2). Identifiers: Orphanet 805, MedGen C1860707, MONDO:0013199, OMIM 613254.

Submission:

Myriad Genetics, Inc.
Classification: Benign for Tuberous sclerosis 2. Last evaluated: 2025-05-19. Review status: criteria provided, single submitter. Criteria: Myriad Autosomal Dominant, Autosomal Recessive and X-Linked Classification Criteria (2023). Collection method: clinical testing. Allele origin: unknown.
Comment: This variant is considered benign. This variant is a silent/synonymous amino acid change and it is not expected to impact splicing.

NM_000548.5(TSC2):c.2190G>T (p.Val730=)

Gene: TSC2 (TSC complex subunit 2; plus strand). Cytogenetic location: 16p13.3.
Variant type: single nucleotide variant.
Coding change: c.2190G>T on transcript NM_000548.5 (MANE Select); coding-DNA position 2190, G replaced by T.
Protein change: p.Val730=; no amino-acid change (valine 730 retained).
Molecular consequence: synonymous variant. On other transcripts: non-coding transcript variant (5).
Genome position (GRCh38, 1-based): chr16:2,072,333, G>T. VCF-style: chr16-2072333-G-T. GRCh37 (hg19) VCF-style: chr16-2122334-G-T.
Other names: c.2190G>T, p.Val730= (NM_001406663.1, NM_001406664.1, NM_001406665.1 and 6 more transcripts); c.2280G>T, p.Val760= (NM_001406667.1, NM_001406668.1); c.2079G>T, p.Val693= (NM_001406670.1, NM_001406678.1, NM_001318827.2); c.2178G>T, p.Val726= (NM_001406671.1, NM_001406673.1); c.2043G>T, p.Val681= (NM_001406675.1, NM_001406676.1, NM_001406679.1 and 1 more transcripts); c.2133G>T, p.Val711= (NM_001406677.1); c.1590G>T, p.Val530= (NM_001406680.1, NM_001406682.1, NM_001406683.1 and 6 more transcripts); c.1728G>T, p.Val576= (NM_001406681.1); and 3 more.
Identifiers: ClinVar variation 4071287 (VCV004071287.1).